The following is an entry in ClinVar:

NM_002691.4(POLD1):c.2066G>A (p.Arg689Gln)

Gene: POLD1 (DNA polymerase delta 1, catalytic subunit; plus strand). Cytogenetic location: 19q13.33.
Variant type: single nucleotide variant.
Coding change: c.2066G>A on transcript NM_002691.4 (MANE Select); coding-DNA position 2066, G replaced by A.
Protein change: p.Arg689Gln; replaces arginine 689 with glutamine.
Molecular consequence: missense variant. On other transcripts: non-coding transcript variant (1).
Genome position (GRCh38, 1-based): chr19:50,409,578, G>A. VCF-style: chr19-50409578-G-A. GRCh37 (hg19) VCF-style: chr19-50912835-G-A.
Other names: c.2066G>A, p.Arg689Gln (NM_001256849.1); c.2144G>A, p.Arg715Gln (NM_001308632.1); c.2066G>A (NM_002691.2); short protein forms R715Q, R689Q.
Identifiers: ClinVar variation 408026 (VCV000408026.22), dbSNP rs146530638, ClinGen allele CA9596382.

ClinVar aggregate classification (germline): Uncertain significance. Review status: criteria provided, multiple submitters, no conflicts (2 of 4 stars). 4 submissions from 4 submitters: Uncertain significance (4). Last evaluated 2026-01-14.

Conditions:
POLD1-related polyposis and colorectal cancer syndrome (CRCS10). Also called: Colorectal cancer, susceptibility to, 10; Colorectal cancer 10; COLORECTAL CANCER, SUSCEPTIBILITY TO, ON CHROMOSOME 19q. Identifiers: Orphanet 220460, MedGen C2675481, MONDO:0012953, OMIM 612591.
Mandibular hypoplasia-deafness-progeroid syndrome. Also called: Mandibular hypoplasia, deafness, progeroid features, and lipodystrophy syndrome. Identifiers: Orphanet 363649, MedGen C3715192, MONDO:0014157, OMIM 615381.
Hereditary cancer-predisposing syndrome. Also called: Neoplastic Syndromes, Hereditary; Hereditary neoplastic syndrome; Hereditary Cancer Syndrome; Tumor predisposition. Identifiers: Orphanet 140162, MedGen C0027672, MeSH D009386, MONDO:0015356.
Immunodeficiency 120. Identifiers: MedGen C5935622, MONDO:0970994, OMIM 620836.

Allele frequency attached by ClinVar (database versions not stated): gnomAD 0.00001; TOPMed 0.00001; gnomAD exomes 0.00004; ExAC 0.00007; ESP Exome Variant Server 0.00015.
gnomAD v4.1: 56 of 1,613,270 alleles (0.0035%); highest among the groups gnomAD compares: Non-Finnish European, 0.0042%; no homozygotes.

Submissions (4):

Labcorp Genetics (formerly Invitae), Labcorp
Classification: Uncertain significance for POLD1-related polyposis and colorectal cancer syndrome. Last evaluated: 2026-01-14. Review status: criteria provided, single submitter. Criteria: Invitae Variant Classification Sherloc (09022015). Collection method: clinical testing. Allele origin: germline.
Comment: This sequence change replaces arginine, which is basic and polar, with glutamine, which is neutral and polar, at codon 689 of the POLD1 protein (p.Arg689Gln). This variant is present in population databases (rs146530638, gnomAD 0.008%). This variant has not been reported in the literature in individuals affected with POLD1-related conditions. ClinVar contains an entry for this variant (Variation ID: 408026). Invitae Evidence Modeling of protein sequence and biophysical properties (such as structural, functional, and spatial information, amino acid conservation, physicochemical variation, residue mobility, and thermodynamic stability) indicates that this missense variant is expected to disrupt POLD1 protein function with a positive predictive value of 80%. In summary, the available evidence is currently insufficient to determine the role of this variant in disease. Therefore, it has been classified as a Variant of Uncertain Significance.

Ambry Genetics
Classification: Uncertain significance for Hereditary cancer-predisposing syndrome. Last evaluated: 2024-10-17. Review status: criteria provided, single submitter. Criteria: Ambry Variant Classification Scheme 2023. Collection method: clinical testing. Allele origin: germline.
Comment: The p.R689Q variant (also known as c.2066G>A), located in coding exon 16 of the POLD1 gene, results from a G to A substitution at nucleotide position 2066. The arginine at codon 689 is replaced by glutamine, an amino acid with highly similar properties. This amino acid position is highly conserved in available vertebrate species. In addition, the in silico prediction for this alteration is inconclusive. Based on the available evidence, the clinical significance of this variant remains unclear.

GeneDx
Classification: Uncertain significance. Last evaluated: 2024-04-23. Review status: criteria provided, single submitter. Criteria: GeneDx Variant Classification Process June 2021. Collection method: clinical testing. Allele origin: germline. Affected: yes.
Comment: In silico analysis supports that this missense variant has a deleterious effect on protein structure/function; Observed in individuals with colorectal cancer or hypertriglyceridemia (PMID: 29120461, 32041611); This variant is associated with the following publications: (PMID: 32041611, 34326862, 29120461)

Fulgent Genetics
Classification: Uncertain significance for POLD1-related polyposis and colorectal cancer syndrome; Mandibular hypoplasia-deafness-progeroid syndrome; Immunodeficiency 120. Last evaluated: 2024-02-17. Review status: criteria provided, single submitter. Criteria: ACMG Guidelines, 2015. Collection method: clinical testing. Allele origin: germline.